The following is an entry in ClinVar:

NM_177438.3(DICER1):c.1664C>T (p.Ala555Val)

Gene: DICER1 (dicer 1, ribonuclease III; minus strand). Cytogenetic location: 14q32.13.
Variant type: single nucleotide variant.
Coding change: c.1664C>T on transcript NM_177438.3 (MANE Select); coding-DNA position 1664, C replaced by T.
Protein change: p.Ala555Val; replaces alanine 555 with valine.
Molecular consequence: missense variant.
Genome position (GRCh38, 1-based): chr14:95,116,541, G>A on the plus strand (C>T on the coding strand, the complement: DICER1 is on the minus strand). VCF-style: chr14-95116541-G-A. GRCh37 (hg19) VCF-style: chr14-95582878-G-A.
Other names: c.1664C>T, p.Ala555Val (NM_001195573.1, NM_001271282.3, NM_001291628.2 and 1 more transcripts); short protein forms A555V.
Identifiers: ClinVar variation 575644 (VCV000575644.14), dbSNP rs1566790256, ClinGen allele CA390884844.

ClinVar aggregate classification (germline): Uncertain significance. Review status: criteria provided, multiple submitters, no conflicts (2 of 4 stars). 2 submissions from 2 submitters: Uncertain significance (2). Last evaluated 2025-11-05.

Conditions:
DICER1-related tumor predisposition. Also called: DICER1 syndrome; DICER1-related pleuropulmonary blastoma cancer predisposition syndrome. Identifiers: Orphanet 284343, MedGen C3839822, MONDO:0100216.
Hereditary cancer-predisposing syndrome. Also called: Hereditary neoplastic syndrome; Tumor predisposition; Hereditary Cancer Syndrome; Neoplastic Syndromes, Hereditary. Identifiers: Orphanet 140162, MedGen C0027672, MeSH D009386, MONDO:0015356.

Allele frequency attached by ClinVar (database versions not stated): gnomAD exomes below 0.00001.
gnomAD v4.1: 2 of 1,613,898 alleles (0.00012%); highest among the groups gnomAD compares: Non-Finnish European, 0.00017%; no homozygotes.

Submissions (2):

Labcorp Genetics (formerly Invitae), Labcorp
Classification: Uncertain significance for DICER1-related tumor predisposition. Last evaluated: 2025-11-05. Review status: criteria provided, single submitter. Criteria: Invitae Variant Classification Sherloc (09022015). Collection method: clinical testing. Allele origin: germline.
Comment: This sequence change replaces alanine, which is neutral and non-polar, with valine, which is neutral and non-polar, at codon 555 of the DICER1 protein (p.Ala555Val). This variant is not present in population databases (gnomAD no frequency). This variant has not been reported in the literature in individuals affected with DICER1-related conditions. ClinVar contains an entry for this variant (Variation ID: 575644). Invitae Evidence Modeling of protein sequence and biophysical properties (such as structural, functional, and spatial information, amino acid conservation, physicochemical variation, residue mobility, and thermodynamic stability) indicates that this missense variant is not expected to disrupt DICER1 protein function with a negative predictive value of 95%. In summary, the available evidence is currently insufficient to determine the role of this variant in disease. Therefore, it has been classified as a Variant of Uncertain Significance.

Ambry Genetics
Classification: Uncertain significance for Hereditary cancer-predisposing syndrome. Last evaluated: 2025-02-10. Review status: criteria provided, single submitter. Criteria: Ambry Variant Classification Scheme 2023. Collection method: clinical testing. Allele origin: germline.
Comment: The p.A555V variant (also known as c.1664C>T), located in coding exon 9 of the DICER1 gene, results from a C to T substitution at nucleotide position 1664. The alanine at codon 555 is replaced by valine, an amino acid with similar properties. This amino acid position is highly conserved in available vertebrate species. In addition, this alteration is predicted to be deleterious by in silico analysis. Based on the available evidence, the clinical significance of this variant remains unclear.